The following is an entry in ClinVar:

NM_032444.4(SLX4):c.3522T>A (p.Asp1174Glu)

Gene: SLX4 (SLX4 structure-specific endonuclease subunit; minus strand). Cytogenetic location: 16p13.3.
Variant type: single nucleotide variant.
Coding change: c.3522T>A on transcript NM_032444.4 (MANE Select); coding-DNA position 3522, T replaced by A.
Protein change: p.Asp1174Glu; replaces aspartic acid 1174 with glutamic acid.
Molecular consequence: missense variant.
Genome position (GRCh38, 1-based): chr16:3,590,116, A>T on the plus strand (T>A on the coding strand, the complement: SLX4 is on the minus strand). VCF-style: chr16-3590116-A-T. GRCh37 (hg19) VCF-style: chr16-3640117-A-T.
Other names: short protein forms D1174E.
Identifiers: ClinVar variation 1378158 (VCV001378158.6), dbSNP rs2151123437, ClinGen allele CA394519950.
Genomic context (GRCh38, chr16:3,590,116, plus strand): 5'-GATGGAAAACAGCTCACAGGACCTAGGGCTAATTTCTAGAGCTTTCTTTTCTTCCAGAGG[A>T]TCACTAGAAATGGACTTCATTTTGGTTTGTTCTAGCTCCAGCTCCTCATCCGAGTCCAGT-3'
Protein context (NP_115820.2, residues 1164-1184): EQTKMKSISS[Asp1174Glu]PLEEKKALEI

ClinVar aggregate classification (germline): Uncertain significance (1 of 4 stars; one submission).

Conditions:
Fanconi anemia (FA). Also called: Fanconi's anemia. Identifiers: Orphanet 84, MedGen C0015625, MeSH D005199, MONDO:0019391.

Submission:

Labcorp Genetics (formerly Invitae), Labcorp
Classification: Uncertain significance for Fanconi anemia. Last evaluated: 2023-11-27. Review status: criteria provided, single submitter. Criteria: Invitae Variant Classification Sherloc (09022015). Collection method: clinical testing. Allele origin: germline.
Comment: This sequence change replaces aspartic acid, which is acidic and polar, with glutamic acid, which is acidic and polar, at codon 1174 of the SLX4 protein (p.Asp1174Glu). This variant is not present in population databases (gnomAD no frequency). This variant has not been reported in the literature in individuals affected with SLX4-related conditions. ClinVar contains an entry for this variant (Variation ID: 1378158). Algorithms developed to predict the effect of missense changes on protein structure and function output the following: SIFT: "Not Available"; PolyPhen-2: "Benign"; Align-GVGD: "Not Available". The glutamic acid amino acid residue is found in multiple mammalian species, which suggests that this missense change does not adversely affect protein function. In summary, the available evidence is currently insufficient to determine the role of this variant in disease. Therefore, it has been classified as a Variant of Uncertain Significance.